The following is an entry in ClinVar:

ClinVar aggregate classification (germline): Uncertain significance. Review status: criteria provided, multiple submitters, no conflicts (2 of 4 stars). 2 submissions from 2 submitters: Uncertain significance (2). Last evaluated 2026-03-05.

Conditions:
Leber congenital amaurosis 13 (LCA13). Identifiers: MedGen C2675186, MONDO:0012990, OMIM 612712.

Submissions (2):

Women's Health and Genetics/Laboratory Corporation of America, LabCorp
Classification: Uncertain significance. Last evaluated: 2026-03-05. Review status: criteria provided, single submitter. Criteria: LabCorp Variant Classification Summary - May 2015. Collection method: clinical testing. Allele origin: germline.

Labcorp Genetics (formerly Invitae), Labcorp
Classification: Uncertain significance for Leber congenital amaurosis 13. Last evaluated: 2024-08-05. Review status: criteria provided, single submitter. Criteria: Invitae Variant Classification Sherloc (09022015). Collection method: clinical testing. Allele origin: germline.
Comment: This sequence change falls in intron 8 of the RDH12 gene. It does not directly change the encoded amino acid sequence of the RDH12 protein. It affects a nucleotide within the consensus splice site. This variant is not present in population databases (gnomAD no frequency). This variant has not been reported in the literature in individuals affected with RDH12-related conditions. Variants that disrupt the consensus splice site are a relatively common cause of aberrant splicing (PMID: 17576681, 9536098). Algorithms developed to predict the effect of sequence changes on RNA splicing suggest that this variant may disrupt the consensus splice site. In summary, the available evidence is currently insufficient to determine the role of this variant in disease. Therefore, it has been classified as a Variant of Uncertain Significance.

Literature cited by the submitters: PubMed 17576681 (cited by Labcorp Genetics (formerly Invitae), Labcorp); PubMed 9536098 (cited by Labcorp Genetics (formerly Invitae), Labcorp).

NM_152443.3(RDH12):c.848+1GT[2]

Genes: GPHN (gephyrin; plus strand), RDH12 (retinol dehydrogenase 12; plus strand), ZFYVE26 (zinc finger FYVE-type containing 26; minus strand). Cytogenetic location: 14q24.1.
Variant type: Microsatellite.
Coding change: c.848+1GT[2] on transcript NM_152443.3 (MANE Select); two copies in a row of the 2-base unit GT starting at c.848+1.
Molecular consequence: splice donor variant.
Genome position: GRCh38 VCF-style: chr14-67729380-GGT-G. GRCh37 (hg19) VCF-style: chr14-68196097-GGT-G.
Other names: c.848+6_848+7delTG (NM_152443.3).
Identifiers: ClinVar variation 2161142 (VCV002161142.4), dbSNP rs754030243, ClinGen allele CA7238828.
Genomic context (GRCh38, chr14:67,729,380, plus strand): 5'-AGACCAGCCTGCACTGCGCCCTGGCTGAGGGCCTGGAGCCCCTGAGTGGCAAGTACTTCA[GGT>G]GTGTGAAGGCAATGCGGTTCTCTCCACCACCTGTGTGCATGGGAGGTGCCGGACTCGCTG-3'